The following is an entry in ClinVar:

ClinVar aggregate classification (germline): Benign. Review status: criteria provided, multiple submitters, no conflicts (2 of 4 stars). 3 submissions from 3 submitters: Benign (3). Last evaluated 2026-01-26.

Allele frequency attached by ClinVar (database versions not stated): TOPMed 0.00943; gnomAD exomes 0.00488 and 0.00749; gnomAD 0.00772 and 0.00782; 1000 Genomes Project 0.00899; 1000 Genomes Project 30x 0.00937; ESP Exome Variant Server 0.00684; ExAC 0.00700.
gnomAD v4.1: 8,358 of 1,614,160 alleles (0.52%); highest among the groups gnomAD compares: Admixed American, 2.4%; 51 homozygotes.

Submissions (3):

Labcorp Genetics (formerly Invitae), Labcorp
Classification: Benign. Last evaluated: 2026-01-26. Review status: criteria provided, single submitter. Criteria: Invitae Variant Classification Sherloc (09022015). Collection method: clinical testing. Allele origin: germline.

Mayo Clinic Laboratories, Mayo Clinic
Classification: Benign. Last evaluated: 2024-05-15. Review status: criteria provided, single submitter. Criteria: ACMG Guidelines, 2015. Collection method: clinical testing. Allele origin: germline. Observed: 2 variant alleles.
Comment: BA1, BS2, BP4, BP7

Breakthrough Genomics
Classification: Benign. Review status: criteria provided, single submitter. Criteria: ACMG Guidelines, 2015. Collection method: not provided. Allele origin: germline. Inheritance: Autosomal dominant inheritance. Affected: yes.

NM_015215.4(CAMTA1):c.4125G>A (p.Gly1375=)

Genes: CAMTA1 (calmodulin binding transcription activator 1; plus strand), LOC126805603 (CDK7 strongly-dependent group 2 enhancer GRCh37_chr1:7798026-7799225; plus strand). Cytogenetic location: 1p36.23.
Variant type: single nucleotide variant.
Coding change: c.4125G>A on transcript NM_015215.4 (MANE Select); coding-DNA position 4125, G replaced by A.
Protein change: p.Gly1375=; no amino-acid change (glycine 1375 retained).
Molecular consequence: synonymous variant.
Genome position (GRCh38, 1-based): chr1:7,738,425, G>A. VCF-style: chr1-7738425-G-A. GRCh37 (hg19) VCF-style: chr1-7798485-G-A.
Other names: p.Gly1375=; c.4035G>A, p.Gly1345= (NM_001349608.2); c.3786G>A, p.Gly1262= (NM_001349609.2, NM_001349610.2); c.3696G>A, p.Gly1232= (NM_001349612.2); c.1254G>A, p.Gly418= (NM_001349613.1); c.1197G>A, p.Gly399= (NM_001349614.1, NM_001349615.2, NM_001349616.2 and 2 more transcripts); c.858G>A, p.Gly286= (NM_001349619.2, NM_001349620.1, NM_001349621.1 and 5 more transcripts).
Identifiers: ClinVar variation 769502 (VCV000769502.11), dbSNP rs76980367, ClinGen allele CA567070.